The following is an entry in ClinVar:

ClinVar aggregate classification (germline): Uncertain significance (1 of 4 stars; one submission).

Submission:

Labcorp Genetics (formerly Invitae), Labcorp
Classification: Uncertain significance. Last evaluated: 2021-12-25. Review status: criteria provided, single submitter. Criteria: Invitae Variant Classification Sherloc (09022015). Collection method: clinical testing. Allele origin: germline.
Comment: This sequence change replaces glycine, which is neutral and non-polar, with arginine, which is basic and polar, at codon 327 of the EIF2AK3 protein (p.Gly327Arg). This variant is not present in population databases (gnomAD no frequency). This variant has not been reported in the literature in individuals affected with EIF2AK3-related conditions. Algorithms developed to predict the effect of missense changes on protein structure and function are either unavailable or do not agree on the potential impact of this missense change (SIFT: "Deleterious"; PolyPhen-2: "Possibly Damaging"; Align-GVGD: "Class C0"). In summary, the available evidence is currently insufficient to determine the role of this variant in disease. Therefore, it has been classified as a Variant of Uncertain Significance.

NM_004836.7(EIF2AK3):c.979G>C (p.Gly327Arg)

Gene: EIF2AK3 (eukaryotic translation initiation factor 2 alpha kinase 3; minus strand). Cytogenetic location: 2p11.2.
Variant type: single nucleotide variant.
Coding change: c.979G>C on transcript NM_004836.7 (MANE Select); coding-DNA position 979, G replaced by C.
Protein change: p.Gly327Arg; replaces glycine 327 with arginine.
Molecular consequence: missense variant.
Genome position (GRCh38, 1-based): chr2:88,590,841, C>G on the plus strand (G>C on the coding strand, the complement: EIF2AK3 is on the minus strand). VCF-style: chr2-88590841-C-G. GRCh37 (hg19) VCF-style: chr2-88890359-C-G.
Other names: c.526G>C, p.Gly176Arg (NM_001313915.2); short protein forms G176R, G327R.
Identifiers: ClinVar variation 2060581 (VCV002060581.4), dbSNP rs2529171317, ClinGen allele CA347595776.